The following is an entry in ClinVar:

ClinVar aggregate classification (germline): Pathogenic. Review status: reviewed by expert panel (3 of 4 stars). 2 submissions from 2 submitters: Pathogenic (1). 1 of the submissions does not count toward it. Last evaluated 2016-10-18.

Conditions:
Breast-ovarian cancer, familial, susceptibility to, 2 (BROVCA2). Also called: BRCA2 Hereditary Breast and Ovarian Cancer. Identifiers: Orphanet 145, MedGen C2675520, MONDO:0012933, OMIM 612555. Disease mechanism: loss of function.

Submissions (2):

Evidence-based Network for the Interpretation of Germline Mutant Alleles (ENIGMA)
Classification: Pathogenic for Breast-ovarian cancer, familial, susceptibility to, 2. Last evaluated: 2016-10-18. Review status: reviewed by expert panel. Criteria: ENIGMA BRCA1/2 Classification Criteria (2015). Collection method: curation. Allele origin: germline.
Comment: Variant allele predicted to encode a truncated non-functional protein.

Consortium of Investigators of Modifiers of BRCA1/2 (CIMBA), c/o University of Cambridge
Classification: Pathogenic for Breast-ovarian cancer, familial, susceptibility to, 2. Last evaluated: 2015-10-02. Review status: criteria provided, single submitter. Criteria: CIMBA Mutation Classification guidelines May 2016. Collection method: clinical testing. Allele origin: germline. Not counted in ClinVar's aggregate classification.

NM_000059.4(BRCA2):c.3936_3954del (p.Asn1312fs)

Gene: BRCA2 (BRCA2 DNA repair associated; plus strand). Cytogenetic location: 13q13.1.
Variant type: Deletion.
Coding change: c.3936_3954del on transcript NM_000059.4 (MANE Select); coding-DNA positions 3936 to 3954, 19 bases deleted (TTACAAGAGAAATACTGAA).
Protein change: p.Asn1312fs; shifts the reading frame from asparagine 1312.
Molecular consequence: frameshift variant.
Genome position (GRCh38, 1-based): chr13:32,338,291-32,338,309, TTACAAGAGAAATACTGAA deleted; deleting any 19 consecutive bases within chr13:32,338,289-32,338,309 gives the same sequence; the c. name uses the placement nearest the transcript's 3' end. VCF-style (leftmost placement, unchanged base first): chr13-32338288-AAATTACAAGAGAAATACTG-A. GRCh37 (hg19) VCF-style: chr13-32912425-AAATTACAAGAGAAATACTG-A.
Other names: 4164del19-ter1328; c.3936_3954del19 (NM_000059.3).
Identifiers: ClinVar variation 51566 (VCV000051566.7), dbSNP rs397507700, ClinGen allele CA019222.
Genomic context (GRCh38, chr13:32,338,288, plus strand): 5'-ACTGATATTACAAAATAATATTGAAATGACTACTGGCACTTTTGTTGAAGAAATTACTGA[AAATTACAAGAGAAATACTG>A]AAAATGAAGATAACAAATATACTGCTGCCAGTAGAAATTCTCATAACTTAGAATTTGATG-3'